The following is an entry in ClinVar:

NM_000059.4(BRCA2):c.9056A>C (p.Lys3019Thr)

Gene: BRCA2 (BRCA2 DNA repair associated; plus strand). Cytogenetic location: 13q13.1.
Variant type: single nucleotide variant.
Coding change: c.9056A>C on transcript NM_000059.4 (MANE Select); coding-DNA position 9056, A replaced by C.
Protein change: p.Lys3019Thr; replaces lysine 3019 with threonine.
Molecular consequence: missense variant.
Genome position (GRCh38, 1-based): chr13:32,379,852, A>C. VCF-style: chr13-32379852-A-C. GRCh37 (hg19) VCF-style: chr13-32953989-A-C.
Other names: short protein forms K3019T.
Identifiers: ClinVar variation 1692133 (VCV001692133.1), dbSNP rs2072909723, ClinGen allele CA387757552.

ClinVar aggregate classification (germline): Uncertain significance (1 of 4 stars; one submission).

Conditions:
Hereditary cancer-predisposing syndrome. Also called: Hereditary Cancer Syndrome; Hereditary neoplastic syndrome; Neoplastic Syndromes, Hereditary; Tumor predisposition. Identifiers: Orphanet 140162, MedGen C0027672, MeSH D009386, MONDO:0015356.

Submission:

Sema4
Classification: Uncertain significance for Hereditary cancer-predisposing syndrome. Last evaluated: 2021-04-23. Review status: criteria provided, single submitter. Criteria: Sema4 Curation Guidelines. Collection method: curation. Allele origin: germline.
Comment: To the best of our knowledge, the BRCA2 c.9056A>C (p.K3019T) variant has not been reported in individuals with BRCA2-related disease. It was not observed in the large and broad cohorts of the Genome Aggregation Database (PMID: 32461654). The variant has not been reported in ClinVar. Functional studies have not been performed, and in silico predictions of the variant's effect on protein function are inconclusive. The evidence is insufficient to meet ACMG/AMP criteria for classifying the variant as benign or pathogenic. Thus, the clinical significance of this variant is currently uncertain.